The following is an entry in ClinVar:

NM_004360.5(CDH1):c.405C>G (p.Ile135Met)

Gene: CDH1 (cadherin 1; plus strand). Cytogenetic location: 16q22.1.
Variant type: single nucleotide variant.
Coding change: c.405C>G on transcript NM_004360.5 (MANE Select); coding-DNA position 405, C replaced by G.
Protein change: p.Ile135Met; replaces isoleucine 135 with methionine.
Molecular consequence: missense variant. On other transcripts: 5 prime UTR variant (2).
Genome position (GRCh38, 1-based): chr16:68,808,441, C>G. VCF-style: chr16-68808441-C-G. GRCh37 (hg19) VCF-style: chr16-68842344-C-G.
Other names: c.405C>G (LRG_301t1); c.405C>G, p.Ile135Met (NM_001317184.2); c.-1211C>G (NM_001317185.2); c.-1415C>G (NM_001317186.2); short protein forms I135M.
Identifiers: ClinVar variation 449886 (VCV000449886.8), dbSNP rs1047878465, ClinGen allele CA283296801.

ClinVar aggregate classification (germline): Conflicting classifications of pathogenicity. Review status: criteria provided, conflicting classifications (1 of 4 stars). 3 submissions from 3 submitters: Uncertain significance (2); Likely benign (1). Last evaluated 2026-05-26.

Conditions:
Hereditary cancer-predisposing syndrome. Also called: Hereditary Cancer Syndrome; Tumor predisposition; Hereditary neoplastic syndrome; Neoplastic Syndromes, Hereditary. Identifiers: Orphanet 140162, MedGen C0027672, MeSH D009386, MONDO:0015356.
Hereditary diffuse gastric adenocarcinoma (HDGC). Also called: DIFFUSE GASTRIC AND LOBULAR BREAST CANCER SYNDROME. Identifiers: Orphanet 26106, MedGen C1708349, MONDO:0007648, OMIM 137215.

Allele frequency attached by ClinVar (database versions not stated): TOPMed 0.00001; gnomAD exomes below 0.00001; gnomAD 0.00001.
gnomAD v4.1: 2 of 1,614,032 alleles (0.00012%); highest among the groups gnomAD compares: African/African-American, 0.0027%; no homozygotes.

Submissions (3):

Ambry Genetics
Classification: Likely benign for Hereditary cancer-predisposing syndrome. Last evaluated: 2026-05-26. Review status: criteria provided, single submitter. Criteria: Ambry Variant Classification Scheme 2023. Collection method: clinical testing. Allele origin: germline.

Labcorp Genetics (formerly Invitae), Labcorp
Classification: Uncertain significance for Hereditary diffuse gastric adenocarcinoma. Last evaluated: 2025-09-16. Review status: criteria provided, single submitter. Criteria: Invitae Variant Classification Sherloc (09022015). Collection method: clinical testing. Allele origin: germline.
Comment: This sequence change replaces isoleucine, which is neutral and non-polar, with methionine, which is neutral and non-polar, at codon 135 of the CDH1 protein (p.Ile135Met). This variant is not present in population databases (gnomAD no frequency). This variant has not been reported in the literature in individuals affected with CDH1-related conditions. ClinVar contains an entry for this variant (Variation ID: 449886). An algorithm developed to predict the effect of missense changes on protein structure and function (PolyPhen-2) suggests that this variant is likely to be tolerated. In summary, the available evidence is currently insufficient to determine the role of this variant in disease. Therefore, it has been classified as a Variant of Uncertain Significance.

GeneDx
Classification: Uncertain significance. Last evaluated: 2017-03-20. Review status: criteria provided, single submitter. Criteria: GeneDx Variant Classification (06012015). Collection method: clinical testing. Allele origin: germline. Affected: yes.
Comment: This variant is denoted CDH1 c.405C>G at the cDNA level, p.Ile135Met (I135M) at the protein level, and results in the change of an Isoleucine to a Methionine (ATC>ATG). This variant has not, to our knowledge, been published in the literature as pathogenic or benign. CDH1 Ile135Met was not observed in large population cohorts (NHLBI Exome Sequencing Project, The 1000 Genomes Consortium 2015, Lek 2016). Since Isoleucine and Methionine share similar properties, this is considered a conservative amino acid substitution. CDH1 Ile135Met occurs at a position that is not conserved and is located in the precursor sequence domain (Brooks-WIlson 2004). In silico analyses predict that this variant is unlikely to alter protein structure or function. Based on currently available evidence, it is unclear whether CDH1 Ile135Met is a pathogenic or benign variant. We consider it to be a variant of uncertain significance.